The following is an entry in ClinVar:

NM_006929.5(SKIC2):c.392C>T (p.Ser131Phe)

Gene: SKIC2 (SKI2 subunit of superkiller complex; plus strand). Cytogenetic location: 6p21.33.
Variant type: single nucleotide variant.
Coding change: c.392C>T on transcript NM_006929.5 (MANE Select); coding-DNA position 392, C replaced by T.
Protein change: p.Ser131Phe; replaces serine 131 with phenylalanine.
Molecular consequence: missense variant.
Genome position (GRCh38, 1-based): chr6:31,960,469, C>T. VCF-style: chr6-31960469-C-T. GRCh37 (hg19) VCF-style: chr6-31928246-C-T.
Other names: short protein forms S131F.
Identifiers: ClinVar variation 1984224 (VCV001984224.1), dbSNP rs376420612, ClinGen allele CA3729139.

ClinVar aggregate classification (germline): Uncertain significance (1 of 4 stars; one submission).

Allele frequency attached by ClinVar (database versions not stated): gnomAD 0.00001; TOPMed 0.00001; ExAC 0.00002; gnomAD exomes 0.00002; ESP Exome Variant Server 0.00008.
gnomAD v4.1: 33 of 1,614,054 alleles (0.002%); highest among the groups gnomAD compares: Non-Finnish European, 0.0028%; no homozygotes.

Submission:

Labcorp Genetics (formerly Invitae), Labcorp
Classification: Uncertain significance. Last evaluated: 2022-06-11. Review status: criteria provided, single submitter. Criteria: Invitae Variant Classification Sherloc (09022015). Collection method: clinical testing. Allele origin: germline.
Comment: This sequence change replaces serine, which is neutral and polar, with phenylalanine, which is neutral and non-polar, at codon 131 of the SKIV2L protein (p.Ser131Phe). This variant is present in population databases (rs376420612, gnomAD 0.003%). This variant has not been reported in the literature in individuals affected with SKIV2L-related conditions. Algorithms developed to predict the effect of missense changes on protein structure and function are either unavailable or do not agree on the potential impact of this missense change (SIFT: "Deleterious"; PolyPhen-2: "Probably Damaging"; Align-GVGD: "Class C0"). In summary, the available evidence is currently insufficient to determine the role of this variant in disease. Therefore, it has been classified as a Variant of Uncertain Significance.